The following is an entry in ClinVar:

NM_000059.4(BRCA2):c.9995C>G (p.Ser3332Cys)

Gene: BRCA2 (BRCA2 DNA repair associated; plus strand). Cytogenetic location: 13q13.1.
Variant type: single nucleotide variant.
Coding change: c.9995C>G on transcript NM_000059.4 (MANE Select); coding-DNA position 9995, C replaced by G.
Protein change: p.Ser3332Cys; replaces serine 3332 with cysteine.
Molecular consequence: missense variant.
Genome position (GRCh38, 1-based): chr13:32,398,508, C>G. VCF-style: chr13-32398508-C-G. GRCh37 (hg19) VCF-style: chr13-32972645-C-G.
Other names: short protein forms S3332C.
Identifiers: ClinVar variation 377585 (VCV000377585.14), dbSNP rs876658246, ClinGen allele CA16607505.

ClinVar aggregate classification (germline): Conflicting classifications of pathogenicity. Review status: criteria provided, conflicting classifications (1 of 4 stars). 4 submissions from 4 submitters: Uncertain significance (2); Likely benign (2). Last evaluated 2025-06-09.

Conditions:
Hereditary cancer-predisposing syndrome. Also called: Hereditary neoplastic syndrome; Hereditary Cancer Syndrome; Neoplastic Syndromes, Hereditary; Tumor predisposition. Identifiers: Orphanet 140162, MedGen C0027672, MeSH D009386, MONDO:0015356.
Hereditary breast ovarian cancer syndrome. Also called: Hereditary breast and ovarian cancer syndrome (HBOC); Hereditary breast and ovarian cancer syndrome; Hereditary breast and ovarian cancer; BRCA1- and BRCA2-Associated Hereditary Breast and Ovarian Cancer; Breast and ovarian cancer; Hereditary breast and/or ovarian cancer syndrome. Identifiers: Orphanet 145, MedGen C0677776, MeSH D061325, MONDO:0003582. Disease mechanism: loss of function.

Allele frequency attached by ClinVar (database versions not stated): gnomAD exomes below 0.00001.
gnomAD v4.1: 1 of 1,614,100 alleles (0.000062%); highest among the groups gnomAD compares: Non-Finnish European, 0.000085%; no homozygotes.

Submissions (4):

Color Diagnostics, LLC DBA Color Health
Classification: Uncertain significance for Hereditary cancer-predisposing syndrome. Last evaluated: 2025-06-09. Review status: criteria provided, single submitter. Criteria: ACMG Guidelines, 2015. Collection method: clinical testing. Allele origin: germline.
Comment: This missense variant replaces serine with cysteine at codon 3332 of the BRCA2 protein. Computational prediction suggests that this variant may not impact protein structure and function. To our knowledge, functional studies have not been reported for this variant. This variant has not been reported in individuals affected with BRCA2-related disorders in the literature. This variant has not been identified in the general population by the Genome Aggregation Database (gnomAD). The available evidence is insufficient to determine the role of this variant in disease conclusively. Therefore, this variant is classified as a Variant of Uncertain Significance.

Labcorp Genetics (formerly Invitae), Labcorp
Classification: Uncertain significance for Hereditary breast ovarian cancer syndrome. Last evaluated: 2025-02-09. Review status: criteria provided, single submitter. Criteria: Invitae Variant Classification Sherloc (09022015). Collection method: clinical testing. Allele origin: germline.
Comment: This sequence change replaces serine, which is neutral and polar, with cysteine, which is neutral and slightly polar, at codon 3332 of the BRCA2 protein (p.Ser3332Cys). This variant is not present in population databases (gnomAD no frequency). This variant has not been reported in the literature in individuals affected with BRCA2-related conditions. ClinVar contains an entry for this variant (Variation ID: 377585). Invitae Evidence Modeling of protein sequence and biophysical properties (such as structural, functional, and spatial information, amino acid conservation, physicochemical variation, residue mobility, and thermodynamic stability) indicates that this missense variant is not expected to disrupt BRCA2 protein function with a negative predictive value of 95%. In summary, the available evidence is currently insufficient to determine the role of this variant in disease. Therefore, it has been classified as a Variant of Uncertain Significance.

Ambry Genetics
Classification: Likely benign for Hereditary cancer-predisposing syndrome. Last evaluated: 2024-11-25. Review status: criteria provided, single submitter. Criteria: Ambry Variant Classification Scheme 2023. Collection method: clinical testing. Allele origin: germline.

GeneDx
Classification: Likely benign. Last evaluated: 2016-03-30. Review status: criteria provided, single submitter. Criteria: GeneDx Variant Classification (06012015). Collection method: clinical testing. Allele origin: germline. Affected: yes.
Comment: This variant is considered likely benign or benign based on one or more of the following criteria: it is a conservative change, it occurs at a poorly conserved position in the protein, it is predicted to be benign by multiple in silico algorithms, and/or has population frequency not consistent with disease.